The following is an entry in ClinVar:

ClinVar aggregate classification (germline): Uncertain significance (1 of 4 stars; one submission).

Conditions:
Autosomal recessive limb-girdle muscular dystrophy type 2P. Also called: MUSCULAR DYSTROPHY-DYSTROGLYCANOPATHY, LIMB-GIRDLE, DAG1-RELATED; Limb-Girdle Muscular Dystrophy Type 9C; MUSCULAR DYSTROPHY, LIMB-GIRDLE, TYPE 2P. Identifiers: Orphanet 280333, MedGen C4511963, MONDO:0013440, OMIM 613818.
Muscular dystrophy-dystroglycanopathy (congenital with brain and eye anomalies), type A9. Also called: WALKER-WARBURG SYNDROME OR MUSCLE-EYE BRAIN DISEASE, DAG1-RELATED; Muscular dystrophy-dystroglycanopathy (congenital with brain and eye anomalies), type a, 9. Identifiers: Orphanet 370997, Orphanet 899, MedGen C4225291, MONDO:0014683, OMIM 616538.

Allele frequency attached by ClinVar (database versions not stated): gnomAD exomes below 0.00001.
gnomAD v4.1: 2 of 1,613,924 alleles (0.00012%); highest among the groups gnomAD compares: Middle Eastern, 0.017%; no homozygotes.

Submission:

Labcorp Genetics (formerly Invitae), Labcorp
Classification: Uncertain significance for Autosomal recessive limb-girdle muscular dystrophy type 2P; Muscular dystrophy-dystroglycanopathy (congenital with brain and eye anomalies), type A9. Last evaluated: 2020-01-07. Review status: criteria provided, single submitter. Criteria: Invitae Variant Classification Sherloc (09022015). Collection method: clinical testing. Allele origin: germline.
Comment: This sequence change replaces threonine with serine at codon 148 of the DAG1 protein (p.Thr148Ser). The threonine residue is moderately conserved and there is a small physicochemical difference between threonine and serine. This variant is not present in population databases (ExAC no frequency). This variant has not been reported in the literature in individuals with DAG1-related conditions. Algorithms developed to predict the effect of missense changes on protein structure and function output the following: SIFT: "Tolerated"; PolyPhen-2: "Benign"; Align-GVGD: "Class C0". The serine amino acid residue is found in multiple mammalian species, suggesting that this missense change does not adversely affect protein function. These predictions have not been confirmed by published functional studies and their clinical significance is uncertain. In summary, the available evidence is currently insufficient to determine the role of this variant in disease. Therefore, it has been classified as a Variant of Uncertain Significance.

NM_004393.6(DAG1):c.442A>T (p.Thr148Ser)

Gene: DAG1 (dystroglycan 1; plus strand). Cytogenetic location: 3p21.31.
Variant type: single nucleotide variant.
Coding change: c.442A>T on transcript NM_004393.6 (MANE Select); coding-DNA position 442, A replaced by T.
Protein change: p.Thr148Ser; replaces threonine 148 with serine.
Molecular consequence: missense variant.
Genome position (GRCh38, 1-based): chr3:49,530,953, A>T. VCF-style: chr3-49530953-A-T. GRCh37 (hg19) VCF-style: chr3-49568386-A-T.
Other names: c.442A>T, p.Thr148Ser (NM_001165928.4, NM_001177634.3, NM_001177635.3 and 9 more transcripts); short protein forms T148S.
Identifiers: ClinVar variation 836543 (VCV000836543.6), dbSNP rs1297914937, ClinGen allele CA352793329.
Genomic context (GRCh38, chr3:49,530,953, plus strand): 5'-GTGCATTACATTTCAGTGAGCGCTACACGGCTGGGGGCCAACGGGAGCCACATCCCCCAG[A>T]CCTCCAGTGTGTTCTCCATCGAGGTCTACCCTGAAGACCACAGTGAGCTGCAGTCGGTGA-3'
Protein context (NP_004384.5, residues 138-158): LGANGSHIPQ[Thr148Ser]SSVFSIEVYP